The following is an entry in ClinVar:

NM_000487.6(ARSA):c.1421T>C (p.Phe474Ser)

Gene: ARSA (arylsulfatase A; minus strand). Cytogenetic location: 22q13.33.
Variant type: single nucleotide variant.
Coding change: c.1421T>C on transcript NM_000487.6 (MANE Select); coding-DNA position 1421, T replaced by C.
Protein change: p.Phe474Ser; replaces phenylalanine 474 with serine.
Molecular consequence: missense variant.
Genome position (GRCh38, 1-based): chr22:50,625,254, A>G on the plus strand (T>C on the coding strand, the complement: ARSA is on the minus strand). VCF-style: chr22-50625254-A-G. GRCh37 (hg19) VCF-style: chr22-51063682-A-G.
Other names: NP_000478.3:p.(Phe474Ser); c.1421T>C, p.Phe474Ser (NM_001085425.3, NM_001085426.3, NM_001085427.3); c.1163T>C, p.Phe388Ser (NM_001085428.3, NM_001362782.2); short protein forms F388S, F474S.
Identifiers: ClinVar variation 4850936 (VCV004850936.2).

ClinVar aggregate classification (germline): Uncertain significance (1 of 4 stars; one submission).

Conditions:
Metachromatic leukodystrophy (MLD). Also called: ARSA DEFICIENCY; CEREBROSIDE SULFATASE DEFICIENCY; METACHROMATIC LEUKOENCEPHALOPATHY; Cerebral sclerosis diffuse metachromatic form; Arylsulfatase A Deficiency; SULFATIDE LIPIDOSIS. Identifiers: Orphanet 512, MedGen C0023522, MONDO:0018868, OMIM 250100.

Submission:

Laboratory of Experimental Gene Therapy of Hereditary Metabolic Diseases, Research Centre for Medical Genetics
Classification: Uncertain significance for Metachromatic leukodystrophy. Last evaluated: 2026-09-17. Review status: criteria provided, single submitter. Criteria: ARSA MLD Assertion Criteria V2 2026 09 18. Collection method: clinical testing. Allele origin: germline. Inheritance: Autosomal recessive inheritance. Observed: 1 variant allele, 1 compound heterozygote.
Comment: Reassessed under ACMG/AMP 2015 with ClinGen SVI refinements and a Bayesian point framework (supporting=1, moderate=2, strong=4, very strong=8; 6-9 points=likely pathogenic; >=10 points=pathogenic). Final score: 2. Evidence applied: PM2_Supporting, PP3_Supporting. Observations from the present referral series were excluded from classification.